The following is an entry in ClinVar:

NM_015178.3(RHOBTB2):c.957C>G (p.His319Gln)

Gene: RHOBTB2 (Rho related BTB domain containing 2; plus strand). Cytogenetic location: 8p21.3.
Variant type: single nucleotide variant.
Coding change: c.957C>G on transcript NM_015178.3 (MANE Select); coding-DNA position 957, C replaced by G.
Protein change: p.His319Gln; replaces histidine 319 with glutamine.
Molecular consequence: missense variant.
Genome position (GRCh38, 1-based): chr8:23,007,202, C>G. VCF-style: chr8-23007202-C-G. GRCh37 (hg19) VCF-style: chr8-22864715-C-G.
Other names: c.978C>G, p.His326Gln (NM_001160037.2); c.957C>G, p.His319Gln (NM_001374791.1); c.1023C>G, p.His341Gln (NM_001160036.2); short protein forms H319Q, H326Q, H341Q.
Identifiers: ClinVar variation 2420995 (VCV002420995.6), dbSNP rs1810989589, ClinGen allele CA370566766.

ClinVar aggregate classification (germline): Uncertain significance (1 of 4 stars; one submission).

Allele frequency attached by ClinVar (database versions not stated): TOPMed 0.00001.

Submission:

Labcorp Genetics (formerly Invitae), Labcorp
Classification: Uncertain significance. Last evaluated: 2022-05-21. Review status: criteria provided, single submitter. Criteria: Invitae Variant Classification Sherloc (09022015). Collection method: clinical testing. Allele origin: germline.
Comment: This variant has not been reported in the literature in individuals affected with RHOBTB2-related conditions. Algorithms developed to predict the effect of missense changes on protein structure and function output the following: SIFT: "Tolerated"; PolyPhen-2: "Benign"; Align-GVGD: "Class C0". The glutamine amino acid residue is found in multiple mammalian species, which suggests that this missense change does not adversely affect protein function. In summary, the available evidence is currently insufficient to determine the role of this variant in disease. Therefore, it has been classified as a Variant of Uncertain Significance. This variant is not present in population databases (gnomAD no frequency). This sequence change replaces histidine, which is basic and polar, with glutamine, which is neutral and polar, at codon 341 of the RHOBTB2 protein (p.His341Gln).